The following is an entry in ClinVar:

NM_001297.5(CNGB1):c.2974_2976+992delinsCCCGAGGCACATGTGTGTTGACTGCATAGAGGCGGCAAAGCCTCCTAATCCGCCCCTGCTCTTGG

Gene: CNGB1 (cyclic nucleotide gated channel subunit beta 1; minus strand). Cytogenetic location: 16q21.
Variant type: Indel.
Coding change: c.2974_2976+992delinsCCCGAGGCACATGTGTGTTGACTGCATAGAGGCGGCAAAGCCTCCTAATCCGCCCCTGCTCTTGG on transcript NM_001297.5 (MANE Select); coding-DNA position 2974 through 992 bases into the intron after coding-DNA position 2976, the reference bases replaced by an inserted sequence.
Molecular consequence: splice donor variant.
Genome position (GRCh38, 1-based): chr16:57,900,360-57,901,354, 995 bases replaced. GRCh37 (hg19): chr16:57,934,264-57,935,258.
Other names: c.2956_2958+992delinsCCCGAGGCACATGTGTGTTGACTGCATAGAGGCGGCAAAGCCTCCTAATCCGCCCCTGCTCTTGG (NM_001286130.2).
Identifiers: ClinVar variation 1478232 (VCV001478232.6), dbSNP rs2149356861, ClinGen allele CA2573152480.

ClinVar aggregate classification (germline): Likely pathogenic (1 of 4 stars; one submission).

Submission:

Labcorp Genetics (formerly Invitae), Labcorp
Classification: Likely pathogenic. Last evaluated: 2021-11-09. Review status: criteria provided, single submitter. Criteria: Invitae Variant Classification Sherloc (09022015). Collection method: clinical testing. Allele origin: germline.
Comment: In summary, the currently available evidence indicates that the variant is pathogenic, but additional data are needed to prove that conclusively. Therefore, this variant has been classified as Likely Pathogenic. Algorithms developed to predict the effect of sequence changes on RNA splicing suggest that this variant may disrupt the consensus splice site. This variant has not been reported in the literature in individuals affected with CNGB1-related conditions. This variant is not present in population databases (gnomAD no frequency). This variant results in the deletion of part of exon 29 (c.2974_2976+992delins65) of the CNGB1 gene. It is expected to disrupt RNA splicing. Variants that disrupt the donor or acceptor splice site typically lead to a loss of protein function (PMID: 16199547), and loss-of-function variants in CNGB1 are known to be pathogenic (PMID: 15557452, 24043777).

Literature cited by the submitters: PubMed 16199547; PubMed 15557452; PubMed 24043777.